The following is an entry in ClinVar:

ClinVar aggregate classification (germline): Uncertain significance. Review status: criteria provided, multiple submitters, no conflicts (2 of 4 stars). 3 submissions from 3 submitters: Uncertain significance (3). Last evaluated 2026-04-22.

Conditions:
Bardet-Biedl syndrome 17 (BBS17). Identifiers: Orphanet 110, MedGen C3714980, MONDO:0014445, OMIM 615994.
LZTFL1-related disorder. Also called: LZTFL1-related condition.

Allele frequency attached by ClinVar (database versions not stated): gnomAD 0.00001; TOPMed 0.00002; gnomAD exomes 0.00003 and 0.00005; ExAC 0.00007.
gnomAD v4.1: 16 of 1,614,034 alleles (0.00099%); highest among the groups gnomAD compares: Admixed American, 0.027%; no homozygotes.

Submissions (3):

PreventionGenetics, part of Exact Sciences
Classification: Uncertain significance for LZTFL1-related condition. Last evaluated: 2026-04-22. Review status: criteria provided, single submitter. Criteria: ACMG Guidelines, 2015. Collection method: clinical testing. Allele origin: germline.
Comment: The LZTFL1 c.701A>G variant is predicted to result in the amino acid substitution p.Lys234Arg. To our knowledge, this variant has not been reported in the literature. This variant is reported in 0.038% of alleles in individuals of Latino descent in gnomAD. At this time, the clinical significance of this variant is uncertain due to the absence of conclusive functional and genetic evidence.

Labcorp Genetics (formerly Invitae), Labcorp
Classification: Uncertain significance. Last evaluated: 2022-06-20. Review status: criteria provided, single submitter. Criteria: Invitae Variant Classification Sherloc (09022015). Collection method: clinical testing. Allele origin: germline.
Comment: This sequence change replaces lysine, which is basic and polar, with arginine, which is basic and polar, at codon 234 of the LZTFL1 protein (p.Lys234Arg). This variant is present in population databases (rs777788515, gnomAD 0.04%). This variant has not been reported in the literature in individuals affected with LZTFL1-related conditions. Algorithms developed to predict the effect of missense changes on protein structure and function (SIFT, PolyPhen-2, Align-GVGD) all suggest that this variant is likely to be disruptive. In summary, the available evidence is currently insufficient to determine the role of this variant in disease. Therefore, it has been classified as a Variant of Uncertain Significance.

Fulgent Genetics
Classification: Uncertain significance for Bardet-Biedl syndrome 17. Last evaluated: 2021-07-20. Review status: criteria provided, single submitter. Criteria: ACMG Guidelines, 2015. Collection method: clinical testing. Allele origin: unknown.

NM_020347.4(LZTFL1):c.701A>G (p.Lys234Arg)

Gene: LZTFL1 (leucine zipper transcription factor like 1; minus strand). Cytogenetic location: 3p21.31.
Variant type: single nucleotide variant.
Coding change: c.701A>G on transcript NM_020347.4 (MANE Select); coding-DNA position 701, A replaced by G.
Protein change: p.Lys234Arg; replaces lysine 234 with arginine.
Molecular consequence: missense variant. On other transcripts: non-coding transcript variant (1).
Genome position (GRCh38, 1-based): chr3:45,828,515, T>C on the plus strand (A>G on the coding strand, the complement: LZTFL1 is on the minus strand). VCF-style: chr3-45828515-T-C. GRCh37 (hg19) VCF-style: chr3-45870007-T-C.
Other names: c.650A>G, p.Lys217Arg (NM_001276378.2, NM_001386451.1); c.689A>G, p.Lys230Arg (NM_001276379.2); c.701A>G, p.Lys234Arg (NM_001386452.1); c.701A>G (NM_020347.3); short protein forms K217R, K230R, K234R.
Identifiers: ClinVar variation 1348088 (VCV001348088.6), dbSNP rs777788515, ClinGen allele CA2351877.
Genomic context (GRCh38, chr3:45,828,515, plus strand): 5'-AGCTGCTCCTGAACCCTGAGTAGATCGTGCTTGGCTGTCGCCAGATTCTCCTCCAGTGAC[T>C]TCTGGTTTTCTGTCTTGTCATTAAGTGTCTTCTGAAACTCACTCTTTAAGGCAGCGACAG-3'
Protein context (NP_065080.1, residues 224-244): KTLNDKTENQ[Lys234Arg]SLEENLATAK